The following is an entry in ClinVar:

ClinVar aggregate classification (germline): Uncertain significance. Review status: criteria provided, multiple submitters, no conflicts (2 of 4 stars). 2 submissions from 2 submitters: Uncertain significance (2). Last evaluated 2025-12-09.

Conditions:
Birt-Hogg-Dube syndrome. Also called: Birt Hogg Dubé syndrome. Identifiers: Orphanet 122, MedGen C0346010, MONDO:0800444.
Hereditary cancer-predisposing syndrome. Also called: Hereditary Cancer Syndrome; Tumor predisposition; Neoplastic Syndromes, Hereditary; Hereditary neoplastic syndrome. Identifiers: Orphanet 140162, MedGen C0027672, MeSH D009386, MONDO:0015356.

Submissions (2):

Labcorp Genetics (formerly Invitae), Labcorp
Classification: Uncertain significance for Birt-Hogg-Dube syndrome. Last evaluated: 2025-12-09. Review status: criteria provided, single submitter. Criteria: Invitae Variant Classification Sherloc (09022015). Collection method: clinical testing. Allele origin: germline.
Comment: This sequence change replaces valine, which is neutral and non-polar, with leucine, which is neutral and non-polar, at codon 515 of the FLCN protein (p.Val515Leu). This variant is not present in population databases (gnomAD no frequency). This variant has not been reported in the literature in individuals affected with FLCN-related conditions. ClinVar contains an entry for this variant (Variation ID: 3229235). Invitae Evidence Modeling of protein sequence and biophysical properties (such as structural, functional, and spatial information, amino acid conservation, physicochemical variation, residue mobility, and thermodynamic stability) indicates that this missense variant is expected to disrupt FLCN protein function with a positive predictive value of 80%. In summary, the available evidence is currently insufficient to determine the role of this variant in disease. Therefore, it has been classified as a Variant of Uncertain Significance.

Ambry Genetics
Classification: Uncertain significance for Hereditary cancer-predisposing syndrome. Last evaluated: 2024-02-11. Review status: criteria provided, single submitter. Criteria: Ambry Variant Classification Scheme 2023. Collection method: clinical testing. Allele origin: germline.
Comment: The p.V515L variant (also known as c.1543G>T), located in coding exon 11 of the FLCN gene, results from a G to T substitution at nucleotide position 1543. The valine at codon 515 is replaced by leucine, an amino acid with highly similar properties. This amino acid position is conserved. In addition, this alteration is predicted to be deleterious by in silico analysis. Based on the available evidence, the clinical significance of this alteration remains unclear.

NM_144997.7(FLCN):c.1543G>T (p.Val515Leu)

Gene: FLCN (folliculin; minus strand). Cytogenetic location: 17p11.2.
Variant type: single nucleotide variant.
Coding change: c.1543G>T on transcript NM_144997.7 (MANE Select); coding-DNA position 1543, G replaced by T.
Protein change: p.Val515Leu; replaces valine 515 with leucine.
Molecular consequence: missense variant.
Genome position (GRCh38, 1-based): chr17:17,213,852, C>A on the plus strand (G>T on the coding strand, the complement: FLCN is on the minus strand). VCF-style: chr17-17213852-C-A. GRCh37 (hg19) VCF-style: chr17-17117166-C-A.
Other names: c.1597G>T, p.Val533Leu (NM_001353229.2); c.1543G>T, p.Val515Leu (NM_001353230.2, NM_001353231.2); short protein forms V515L, V533L.
Identifiers: ClinVar variation 3229235 (VCV003229235.2), dbSNP rs1415483886, ClinGen allele CA398530528.
Genomic context (GRCh38, chr17:17,213,852, plus strand): 5'-GCTTCTGTGTGTCCTCTTTGGGTCGACTGTCCACCTTGGTGAACTTAAAAAGCACCTTCA[C>A]TTTGCTGAAGAAAACCAAAACAAAACACTCAGACACCACAGCACAATCCCTCGAGCCCTG-3'
Protein context (NP_659434.2, residues 505-525): VCLKEEWMNK[Val515Leu]KVLFKFTKVD